The following is an entry in ClinVar:

NM_001386140.1(MTTP):c.490A>G (p.Thr164Ala)

Gene: MTTP (microsomal triglyceride transfer protein; plus strand). Cytogenetic location: 4q23.
Variant type: single nucleotide variant.
Coding change: c.490A>G on transcript NM_001386140.1 (MANE Select); coding-DNA position 490, A replaced by G.
Protein change: p.Thr164Ala; replaces threonine 164 with alanine.
Molecular consequence: missense variant.
Genome position (GRCh38, 1-based): chr4:99,589,739, A>G. VCF-style: chr4-99589739-A-G. GRCh37 (hg19) VCF-style: chr4-100510896-A-G.
Other names: c.490A>G, p.Thr164Ala (NM_000253.4); c.241A>G, p.Thr81Ala (NM_001300785.2); short protein forms T164A, T81A.
Identifiers: ClinVar variation 347023 (VCV000347023.20), dbSNP rs563558722, ClinGen allele CA3021856.

ClinVar aggregate classification (germline): Benign/Likely benign. Review status: criteria provided, multiple submitters, no conflicts (2 of 4 stars). 7 submissions from 7 submitters: Benign (1); Likely benign (3). 3 of the submissions do not count toward it. Last evaluated 2026-02-04.

Conditions:
Inborn genetic diseases. Identifiers: MedGen C0950123, MeSH D030342.
Abetalipoproteinaemia (ABL). Also called: MTP DEFICIENCY; Abetalipoproteinemia; Abetalipoproteinemia neuropathy; Apolipoprotein B deficiency; Congenital betalipoprotein deficiency syndrome. Identifiers: Orphanet 14, MedGen C0000744, MONDO:0008692, OMIM 200100, HP:0008181.

Allele frequency attached by ClinVar (database versions not stated): gnomAD exomes 0.00047 and 0.00113; ExAC 0.00116; 1000 Genomes Project 30x 0.00187; 1000 Genomes Project 0.00220; gnomAD below 0.00001 and 0.00022; TOPMed 0.00006.
gnomAD v4.1: 731 of 1,575,300 alleles (0.046%); highest among the groups gnomAD compares: South Asian, 0.74%; 7 homozygotes.

Submissions (7):

Labcorp Genetics (formerly Invitae), Labcorp
Classification: Benign. Last evaluated: 2026-02-04. Review status: criteria provided, single submitter. Criteria: Invitae Variant Classification Sherloc (09022015). Collection method: clinical testing. Allele origin: germline.

Blueprint Genetics
Classification: Likely benign. Last evaluated: 2024-11-26. Review status: criteria provided, single submitter. Criteria: ACMG Guidelines, 2015. Collection method: clinical testing. Allele origin: germline.

Ambry Genetics
Classification: Likely benign for Inborn genetic diseases. Last evaluated: 2023-10-17. Review status: criteria provided, single submitter. Criteria: Ambry Variant Classification Scheme 2023. Collection method: clinical testing. Allele origin: germline.

Illumina Laboratory Services, Illumina
Classification: Likely benign for Abetalipoproteinaemia. Last evaluated: 2018-01-13. Review status: criteria provided, single submitter. Criteria: ICSL Variant Classification Criteria 13 December 2019. Collection method: clinical testing. Allele origin: germline.
Comment: This variant was observed in the ICSL laboratory as part of a predisposition screen in an ostensibly healthy population. It had not been previously curated by ICSL or reported in the Human Gene Mutation Database (HGMD: prior to June 1st, 2018), and was therefore a candidate for classification through an automated scoring system. Utilizing variant allele frequency, disease prevalence and penetrance estimates, and inheritance mode, an automated score was calculated to assess if this variant is too frequent to cause the disease. Based on the score and internal cut-off values, a variant classified as likely benign is not then subjected to further curation. The score for this variant resulted in a classification of likely benign for this disease.

Natera, Inc.
Classification: Benign for Abetalipoproteinemia. Last evaluated: 2020-09-16. Review status: no assertion criteria provided. Collection method: clinical testing. Allele origin: germline. Not counted in ClinVar's aggregate classification.

Clinical Genetics DNA and cytogenetics Diagnostics Lab, Erasmus MC, Erasmus Medical Center
Classification: Likely benign. Review status: no assertion criteria provided. Collection method: clinical testing. Allele origin: germline. Affected: yes. Study: VKGL Data-share Consensus. Not counted in ClinVar's aggregate classification.

Clinical Genetics, Academic Medical Center
Classification: Likely benign. Review status: no assertion criteria provided. Collection method: clinical testing. Allele origin: germline. Affected: yes. Study: VKGL Data-share Consensus. Not counted in ClinVar's aggregate classification.